The following is an entry in ClinVar:

NM_001082486.2(ACD):c.485C>T (p.Ser162Phe)

Gene: ACD (ACD shelterin complex subunit and telomerase recruitment factor; minus strand). Cytogenetic location: 16q22.1.
Variant type: single nucleotide variant.
Coding change: c.485C>T on transcript NM_001082486.2 (MANE Select); coding-DNA position 485, C replaced by T.
Protein change: p.Ser162Phe; replaces serine 162 with phenylalanine.
Molecular consequence: missense variant.
Genome position (GRCh38, 1-based): chr16:67,659,237, G>A on the plus strand (C>T on the coding strand, the complement: ACD is on the minus strand). VCF-style: chr16-67659237-G-A. GRCh37 (hg19) VCF-style: chr16-67693140-G-A.
Other names: c.485C>T, p.Ser162Phe (NM_001410884.1); c.476C>T, p.Ser159Phe (NM_022914.3); short protein forms S159F, S162F.
Identifiers: ClinVar variation 2452461 (VCV002452461.2), dbSNP rs2543605380, ClinGen allele CA396354549.
Genomic context (GRCh38, chr16:67,659,237, plus strand): 5'-TGGAGAGATCACTGCACAGCGTGTTAGGATCACTGGTCAAGCTCTACAGTACCTGCATTG[G>A]ACGAGGTGGACTCTGAAAGGTGCTCCCTACAGGAAGAGAGTGGCCAGGACTCAGGAACCA-3'
Protein context (NP_001075955.2, residues 152-172): LEEHLSESTS[Ser162Phe]NAGLSLSQLL

ClinVar aggregate classification (germline): Uncertain significance (1 of 4 stars; one submission).

Conditions:
Inborn genetic diseases. Identifiers: MedGen C0950123, MeSH D030342.

Allele frequency attached by ClinVar (database versions not stated): gnomAD exomes below 0.00001.

Submission:

Ambry Genetics
Classification: Uncertain significance for Inborn genetic diseases. Last evaluated: 2023-03-05. Review status: criteria provided, single submitter. Criteria: Ambry Variant Classification Scheme 2023. Collection method: clinical testing. Allele origin: germline.
Comment: The p.S248F variant (also known as c.743C>T), located in coding exon 6 of the ACD gene, results from a C to T substitution at nucleotide position 743. The serine at codon 248 is replaced by phenylalanine, an amino acid with highly dissimilar properties. This amino acid position is conserved. In addition, this alteration is predicted to be tolerated by in silico analysis. Since supporting evidence is limited at this time, the clinical significance of this alteration remains unclear.